The following is an entry in ClinVar:

NM_006231.4(POLE):c.6296A>C (p.Asn2099Thr)

Gene: POLE (DNA polymerase epsilon, catalytic subunit; minus strand). Cytogenetic location: 12q24.33.
Variant type: single nucleotide variant.
Coding change: c.6296A>C on transcript NM_006231.4 (MANE Select); coding-DNA position 6296, A replaced by C.
Protein change: p.Asn2099Thr; replaces asparagine 2099 with threonine.
Molecular consequence: missense variant.
Genome position (GRCh38, 1-based): chr12:132,632,349, T>G on the plus strand (A>C on the coding strand, the complement: POLE is on the minus strand). VCF-style: chr12-132632349-T-G. GRCh37 (hg19) VCF-style: chr12-133208935-T-G.
Other names: short protein forms N2099T.
Identifiers: ClinVar variation 3935706 (VCV003935706.1).

ClinVar aggregate classification (germline): Uncertain significance (1 of 4 stars; one submission).

Conditions:
Hereditary cancer-predisposing syndrome. Also called: Tumor predisposition; Hereditary neoplastic syndrome; Hereditary Cancer Syndrome; Neoplastic Syndromes, Hereditary. Identifiers: Orphanet 140162, MedGen C0027672, MeSH D009386, MONDO:0015356.

gnomAD v4.1: 1 of 1,614,048 alleles (0.000062%); no homozygotes.

Submission:

Ambry Genetics
Classification: Uncertain significance for Hereditary cancer-predisposing syndrome. Last evaluated: 2025-03-25. Review status: criteria provided, single submitter. Criteria: Ambry Variant Classification Scheme 2023. Collection method: clinical testing. Allele origin: germline.
Comment: The p.N2099T variant (also known as c.6296A>C), located in coding exon 45 of the POLE gene, results from an A to C substitution at nucleotide position 6296. The asparagine at codon 2099 is replaced by threonine, an amino acid with similar properties. This amino acid position is conserved. In addition, this alteration is predicted to be tolerated by in silico analysis. Based on the available evidence, the clinical significance of this variant remains unclear.